The following is an entry in ClinVar:

ClinVar aggregate classification (germline): Uncertain significance (1 of 4 stars; one submission).

Conditions:
Hereditary cancer-predisposing syndrome. Also called: Neoplastic Syndromes, Hereditary; Tumor predisposition; Hereditary neoplastic syndrome; Hereditary Cancer Syndrome. Identifiers: Orphanet 140162, MedGen C0027672, MeSH D009386, MONDO:0015356.

Submission:

Ambry Genetics
Classification: Uncertain significance for Hereditary cancer-predisposing syndrome. Last evaluated: 2024-11-08. Review status: criteria provided, single submitter. Criteria: Ambry Variant Classification Scheme 2023. Collection method: clinical testing. Allele origin: germline.
Comment: The c.353+5T>C intronic variant results from a T to C substitution 5 nucleotides after coding exon 4 in the PMS2 gene. This nucleotide position is not well conserved in available vertebrate species. In silico splice site analysis for this alteration is inconclusive; however, direct evidence is insufficient at this time (Ambry internal data). Since supporting evidence is limited at this time, the clinical significance of this alteration remains unclear.

NM_000535.7(PMS2):c.353+5T>C

Gene: PMS2 (PMS1 homolog 2, mismatch repair system component; minus strand). Cytogenetic location: 7p22.1.
Variant type: single nucleotide variant.
Coding change: c.353+5T>C on transcript NM_000535.7 (MANE Select); 5 bases into the intron after coding-DNA position 353, T replaced by C.
Molecular consequence: intron variant.
Genome position (GRCh38, 1-based): chr7:6,003,685, A>G on the plus strand (T>C on the coding strand, the complement: PMS2 is on the minus strand). VCF-style: chr7-6003685-A-G. GRCh37 (hg19) VCF-style: chr7-6043316-A-G.
Other names: c.35+287T>C (NM_001322008.2, NM_001322007.2); c.-53+5T>C (NM_001322010.2, NM_001322004.2, NM_001322013.2 and 3 more transcripts); c.-532+5T>C (NM_001322012.2, NM_001322011.2); c.-132+5T>C (NM_001322015.2); c.353+5T>C (NM_001322006.2, NM_001322014.2).
Identifiers: ClinVar variation 823893 (VCV000823893.5), dbSNP rs1583408041, ClinGen allele CA915944836.
Genomic context (GRCh38, chr7:6,003,685, plus strand): 5'-TTCCAATTAATTTTCAGAGAGGTTTCTCTAAGGGGTCAAGTGAGTGGATAAAAATATTGT[A>G]TCACCTCAGTGCACAAAGTGAGCTCAGAGCTTCCCCCCGAAAGCCAAAAGTTTCAACCTG-3'